The following is an entry in ClinVar:

ClinVar aggregate classification (germline): Likely benign (1 of 4 stars; one submission).

Allele frequency attached by ClinVar (database versions not stated): 1000 Genomes Project 0.00280; 1000 Genomes Project 30x 0.00297; gnomAD 0.00326; TOPMed 0.00389; ESP Exome Variant Server 0.00431.
gnomAD v4.1: 6,410 of 1,608,282 alleles (0.4%); highest among the groups gnomAD compares: Non-Finnish European, 0.48%; 13 homozygotes.

Submissions (5):

CeGaT Center for Human Genetics Tuebingen
Classification: Likely benign. Last evaluated: 2023-05-01. Review status: criteria provided, single submitter. Criteria: CeGaT Center For Human Genetics Tuebingen Variant Classification Criteria Version 2. Collection method: clinical testing. Allele origin: germline. Affected: yes. Observed: 1 variant allele.
Comment: RAPGEF6: BP4, BS2

Dr. Peter K. Rogan Lab, Western University
No classification provided (evidence only). Condition: Lung cancer. Review status: no classification provided. Collection method: in vitro. Allele origin: not applicable. Functional consequence: retained intron. Not counted in ClinVar's aggregate classification.

Dr. Peter K. Rogan Lab, Western University
No classification provided (evidence only). Condition: Uterine corpus endometrial carcinoma. Review status: no classification provided. Collection method: in vitro. Allele origin: not applicable. Functional consequence: retained intron. Not counted in ClinVar's aggregate classification.

Dr. Peter K. Rogan Lab, Western University
No classification provided (evidence only). Condition: Familial pancreatic carcinoma. Review status: no classification provided. Collection method: in vitro. Allele origin: not applicable. Functional consequence: retained intron. Not counted in ClinVar's aggregate classification.

Dr. Peter K. Rogan Lab, Western University
No classification provided (evidence only). Condition: Lymphoma. Review status: no classification provided. Collection method: in vitro. Allele origin: not applicable. Functional consequence: retained intron. Not counted in ClinVar's aggregate classification.

NM_016340.6(RAPGEF6):c.628-6T>G

Gene: RAPGEF6 (Rap guanine nucleotide exchange factor 6; minus strand). Cytogenetic location: 5q31.1.
Variant type: single nucleotide variant.
Coding change: c.628-6T>G on transcript NM_016340.6 (MANE Select); 6 bases into the intron before coding-DNA position 628, T replaced by G.
Molecular consequence: intron variant.
Genome position (GRCh38, 1-based): chr5:131,510,497, A>C on the plus strand (T>G on the coding strand, the complement: RAPGEF6 is on the minus strand). VCF-style: chr5-131510497-A-C. GRCh37 (hg19) VCF-style: chr5-130846190-A-C.
Other names: NC_000005.9:g.130846190A>C; c.628-6T>G (NM_001164388.2, NM_001164386.2, NM_001164387.2 and 2 more transcripts).
Identifiers: ClinVar variation 2655690 (VCV002655690.25), dbSNP rs116131520, ClinGen allele CA3400060.